The following is an entry in ClinVar:

ClinVar aggregate classification (germline): Pathogenic/Likely pathogenic. Review status: criteria provided, multiple submitters, no conflicts (2 of 4 stars). 3 submissions from 3 submitters: Pathogenic (1); Likely pathogenic (2). Last evaluated 2023-02-14.

Conditions:
Leber congenital amaurosis 13 (LCA13). Identifiers: MedGen C2675186, MONDO:0012990, OMIM 612712.
Leber congenital amaurosis (LCA). Also called: Leber's amaurosis. Identifiers: Orphanet 65, MedGen C0339527, MeSH D057130, MONDO:0018998.

Allele frequency attached by ClinVar (database versions not stated): gnomAD exomes 0.00001.

Submissions (3):

Women's Health and Genetics/Laboratory Corporation of America, LabCorp
Classification: Likely pathogenic for Leber congenital amaurosis. Last evaluated: 2023-02-14. Review status: criteria provided, single submitter. Criteria: LabCorp Variant Classification Summary - May 2015. Collection method: clinical testing. Allele origin: germline.
Comment: Variant summary: RDH12 c.580dupT (p.Tyr194LeufsX20) results in a premature termination codon, predicted to cause a truncation of the encoded protein or absence of the protein due to nonsense mediated decay, which are commonly known mechanisms for disease. Truncations downstream of this position have been cited as pathogenic and disease-associated in ClinVar and HGMD. The variant was absent in 251396 control chromosomes. To our knowledge, no occurrence of c.580dupT in individuals affected with Leber Congenital Amaurosis and no experimental evidence demonstrating its impact on protein function have been reported. One clinical diagnostic laboratory has submitted clinical-significance assessments for this variant to ClinVar after 2014 and classified the variant as pathogenic. Based on the evidence outlined above, the variant was classified as likely pathogenic.

Baylor Genetics
Classification: Likely pathogenic for Leber congenital amaurosis 13. Last evaluated: 2022-09-06. Review status: criteria provided, single submitter. Criteria: ACMG Guidelines, 2015. Collection method: clinical testing. Allele origin: unknown.

Labcorp Genetics (formerly Invitae), Labcorp
Classification: Pathogenic for Leber congenital amaurosis 13. Last evaluated: 2022-02-04. Review status: criteria provided, single submitter. Criteria: Invitae Variant Classification Sherloc (09022015). Collection method: clinical testing. Allele origin: germline.
Comment: For these reasons, this variant has been classified as Pathogenic. ClinVar contains an entry for this variant (Variation ID: 1075351). This variant has not been reported in the literature in individuals affected with RDH12-related conditions. This variant is not present in population databases (gnomAD no frequency). This sequence change creates a premature translational stop signal (p.Tyr194Leufs*20) in the RDH12 gene. It is expected to result in an absent or disrupted protein product. Loss-of-function variants in RDH12 are known to be pathogenic (PMID: 17964524, 22065924).

Literature cited by the submitters: PubMed 17964524 (cited by Labcorp Genetics (formerly Invitae), Labcorp); PubMed 22065924 (cited by Labcorp Genetics (formerly Invitae), Labcorp).

NM_152443.3(RDH12):c.580dup (p.Tyr194fs)

Genes: RDH12 (retinol dehydrogenase 12; plus strand), GPHN (gephyrin; plus strand). Cytogenetic location: 14q24.1.
Variant type: Duplication.
Coding change: c.580dup on transcript NM_152443.3 (MANE Select); coding-DNA position 580, one base duplicated (T; older notation c.580dupT).
Protein change: p.Tyr194fs; shifts the reading frame from tyrosine 194.
Molecular consequence: frameshift variant.
Genome position (GRCh38, 1-based): chr14:67,727,112, T duplicated. VCF-style (leftmost placement, unchanged base first): chr14-67727111-C-CT. GRCh37 (hg19) VCF-style: chr14-68193828-C-CT.
Other names: c.580dupT (NM_152443.2); short protein forms Y194fs.
Identifiers: ClinVar variation 1075351 (VCV001075351.8), dbSNP rs2140145502, ClinGen allele CA2499222672.